The following is an entry in ClinVar:

ClinVar aggregate classification (germline): Uncertain significance. Review status: criteria provided, multiple submitters, no conflicts (2 of 4 stars). 2 submissions from 2 submitters: Uncertain significance (2). Last evaluated 2025-04-11.

Conditions:
Inborn genetic diseases. Identifiers: MedGen C0950123, MeSH D030342.

Allele frequency attached by ClinVar (database versions not stated): gnomAD 0.00003; ExAC 0.00002; 1000 Genomes Project 30x 0.00016; TOPMed 0.00004; 1000 Genomes Project 0.00020.
gnomAD v4.1: 23 of 1,598,702 alleles (0.0014%); highest among the groups gnomAD compares: Admixed American, 0.0067%; no homozygotes.

Submissions (2):

Ambry Genetics
Classification: Uncertain significance for Inborn genetic diseases. Last evaluated: 2025-04-11. Review status: criteria provided, single submitter. Criteria: Ambry Variant Classification Scheme 2023. Collection method: clinical testing. Allele origin: germline.

Labcorp Genetics (formerly Invitae), Labcorp
Classification: Uncertain significance. Last evaluated: 2022-10-13. Review status: criteria provided, single submitter. Criteria: Invitae Variant Classification Sherloc (09022015). Collection method: clinical testing. Allele origin: germline.
Comment: This sequence change replaces valine, which is neutral and non-polar, with leucine, which is neutral and non-polar, at codon 205 of the DNAH9 protein (p.Val205Leu). This variant is present in population databases (rs555588377, gnomAD 0.006%). This variant has not been reported in the literature in individuals affected with DNAH9-related conditions. Algorithms developed to predict the effect of missense changes on protein structure and function output the following: SIFT: "Tolerated"; PolyPhen-2: "Benign"; Align-GVGD: "Class C0". The leucine amino acid residue is found in multiple mammalian species, which suggests that this missense change does not adversely affect protein function. In summary, the available evidence is currently insufficient to determine the role of this variant in disease. Therefore, it has been classified as a Variant of Uncertain Significance.

NM_001372.4(DNAH9):c.613G>C (p.Val205Leu)

Gene: DNAH9 (dynein axonemal heavy chain 9; plus strand). Cytogenetic location: 17p12.
Variant type: single nucleotide variant.
Coding change: c.613G>C on transcript NM_001372.4 (MANE Select); coding-DNA position 613, G replaced by C.
Protein change: p.Val205Leu; replaces valine 205 with leucine.
Molecular consequence: missense variant.
Genome position (GRCh38, 1-based): chr17:11,608,324, G>C. VCF-style: chr17-11608324-G-C. GRCh37 (hg19) VCF-style: chr17-11511641-G-C.
Other names: c.613G>C (NM_001372.3); short protein forms V205L.
Identifiers: ClinVar variation 2192117 (VCV002192117.3), dbSNP rs555588377, ClinGen allele CA8394582.